The following is an entry in ClinVar:

ClinVar aggregate classification (germline): Uncertain significance (1 of 4 stars; one submission).

Conditions:
Congenital myasthenic syndrome 9. Also called: Myasthenic syndrome, congenital, 9, associated with acetylcholine receptor deficiency. Identifiers: Orphanet 590, MedGen C4225368, MONDO:0014587, OMIM 616325.
Fetal akinesia deformation sequence 1 (FADS1). Also called: Fetal akinesia sequence; Pena-Shokeir syndrome type I. Identifiers: Orphanet 994, MedGen C1276035, MONDO:0100101, OMIM 208150, HP:0001989.

Submission:

Labcorp Genetics (formerly Invitae), Labcorp
Classification: Uncertain significance for Myasthenic syndrome, congenital, 9, associated with acetylcholine receptor deficiency; Pena-Shokeir syndrome type I. Last evaluated: 2019-11-14. Review status: criteria provided, single submitter. Criteria: Invitae Variant Classification Sherloc (09022015). Collection method: clinical testing. Allele origin: germline.
Comment: This sequence change replaces histidine with arginine at codon 808 of the MUSK protein (p.His808Arg). The histidine residue is highly conserved and there is a small physicochemical difference between histidine and arginine. This variant is not present in population databases (ExAC no frequency). This variant has not been reported in the literature in individuals with MUSK-related conditions. Algorithms developed to predict the effect of missense changes on protein structure and function are either unavailable or do not agree on the potential impact of this missense change (SIFT: "Deleterious"; PolyPhen-2: "Probably Damaging"; Align-GVGD: "Class C0"). Algorithms developed to predict the effect of sequence changes on RNA splicing suggest that this variant may create or strengthen a splice site, but this prediction has not been confirmed by published transcriptional studies. In summary, the available evidence is currently insufficient to determine the role of this variant in disease. Therefore, it has been classified as a Variant of Uncertain Significance.

NM_005592.4(MUSK):c.2423A>G (p.His808Arg)

Gene: MUSK (muscle associated receptor tyrosine kinase; plus strand). Cytogenetic location: 9q31.3.
Variant type: single nucleotide variant.
Coding change: c.2423A>G on transcript NM_005592.4 (MANE Select); coding-DNA position 2423, A replaced by G.
Protein change: p.His808Arg; replaces histidine 808 with arginine.
Molecular consequence: missense variant.
Genome position (GRCh38, 1-based): chr9:110,800,801, A>G. VCF-style: chr9-110800801-A-G. GRCh37 (hg19) VCF-style: chr9-113563081-A-G.
Other names: c.2165A>G, p.His722Arg (NM_001166280.2); c.2135A>G, p.His712Arg (NM_001166281.2); c.1163A>G, p.His388Arg (NM_001369398.1); short protein forms H388R, H712R, H808R, H722R.
Identifiers: ClinVar variation 943221 (VCV000943221.1), dbSNP rs2078084308, ClinGen allele CA374479699.
Genomic context (GRCh38, chr9:110,800,801, plus strand): 5'-ATGGCGTGGTCCTCTGGGAGATCTTCTCCTATGGCCTGCAGCCCTACTATGGGATGGCCC[A>G]TGAGGAGGTCATTTACTACGTGCGAGATGGCAACATCCTCTCCTGCCCTGAGAACTGCCC-3'
Protein context (NP_005583.1, residues 798-818): YGLQPYYGMA[His808Arg]EEVIYYVRDG